The following is an entry in ClinVar:

ClinVar aggregate classification (germline): Uncertain significance (1 of 4 stars; one submission).

Submission:

Labcorp Genetics (formerly Invitae), Labcorp
Classification: Uncertain significance. Last evaluated: 2021-10-07. Review status: criteria provided, single submitter. Criteria: Invitae Variant Classification Sherloc (09022015). Collection method: clinical testing. Allele origin: germline.
Comment: In summary, the available evidence is currently insufficient to determine the role of this variant in disease. Therefore, it has been classified as a Variant of Uncertain Significance. Advanced modeling of protein sequence and biophysical properties (such as structural, functional, and spatial information, amino acid conservation, physicochemical variation, residue mobility, and thermodynamic stability) performed at Invitae indicates that this missense variant is expected to disrupt COL4A3 protein function. This variant has not been reported in the literature in individuals affected with COL4A3-related conditions. This variant is not present in population databases (ExAC no frequency). This sequence change replaces glycine with arginine at codon 1427 of the COL4A3 protein (p.Gly1427Arg). The glycine residue is highly conserved and there is a moderate physicochemical difference between glycine and arginine.

NM_000091.5(COL4A3):c.4279G>C (p.Gly1427Arg)

Genes: MFF-DT (MFF divergent transcript; minus strand), COL4A3 (collagen type IV alpha 3 chain; plus strand). Cytogenetic location: 2q36.3.
Variant type: single nucleotide variant.
Coding change: c.4279G>C on transcript NM_000091.5 (MANE Select); coding-DNA position 4279, G replaced by C.
Protein change: p.Gly1427Arg; replaces glycine 1427 with arginine.
Molecular consequence: missense variant.
Genome position (GRCh38, 1-based): chr2:227,307,736, G>C. VCF-style: chr2-227307736-G-C. GRCh37 (hg19) VCF-style: chr2-228172452-G-C.
Other names: short protein forms G1427R.
Identifiers: ClinVar variation 1523442 (VCV001523442.6), dbSNP rs2106283874, ClinGen allele CA350864156.
Genomic context (GRCh38, chr2:227,307,736, plus strand): 5'-GTATGTTGCAACATTTAGAATGTGTTTTTTGAAGGACCAGCTGGATCAGATGGATTGCCA[G>C]GTTTGAAAGGAAAACGTGGAGACAGTGGATCACCTGCAACCTGGACAACGAGAGGCTTTG-3'
Protein context (NP_000082.2, residues 1417-1437): PGPAGSDGLP[Gly1427Arg]LKGKRGDSGS